The following is an entry in ClinVar:

NM_017654.4(SAMD9):c.2701G>T (p.Val901Phe)

Gene: SAMD9 (sterile alpha motif domain containing 9; minus strand). Cytogenetic location: 7q21.2.
Variant type: single nucleotide variant.
Coding change: c.2701G>T on transcript NM_017654.4 (MANE Select); coding-DNA position 2701, G replaced by T.
Protein change: p.Val901Phe; replaces valine 901 with phenylalanine.
Molecular consequence: missense variant.
Genome position (GRCh38, 1-based): chr7:93,103,397, C>A on the plus strand (G>T on the coding strand, the complement: SAMD9 is on the minus strand). VCF-style: chr7-93103397-C-A. GRCh37 (hg19) VCF-style: chr7-92732710-C-A.
Other names: c.2701G>T, p.Val901Phe (NM_001193307.2); short protein forms V901F.
Identifiers: ClinVar variation 3949701 (VCV003949701.1).

ClinVar aggregate classification (germline): Uncertain significance (1 of 4 stars; one submission).

Conditions:
Inborn genetic diseases. Identifiers: MedGen C0950123, MeSH D030342.

Submission:

Ambry Genetics
Classification: Uncertain significance for Inborn genetic diseases. Last evaluated: 2025-06-03. Review status: criteria provided, single submitter. Criteria: Ambry Variant Classification Scheme 2023. Collection method: clinical testing. Allele origin: germline.
Comment: The p.V901F variant (also known as c.2701G>T), located in coding exon 1 of the SAMD9 gene, results from a G to T substitution at nucleotide position 2701. The valine at codon 901 is replaced by phenylalanine, an amino acid with highly similar properties. This amino acid position is conserved. In addition, the in silico prediction for this alteration is inconclusive. Based on the available evidence, the clinical significance of this variant remains unclear.